The following is an entry in ClinVar:

ClinVar aggregate classification (germline): Benign/Likely benign. Review status: criteria provided, multiple submitters, no conflicts (2 of 4 stars). 3 submissions from 3 submitters: Benign (2); Likely benign (1). Last evaluated 2025-05-22.

Conditions:
CLMP-related disorder. Also called: CLMP-related condition.

Allele frequency attached by ClinVar (database versions not stated): 1000 Genomes Project 0.00040; 1000 Genomes Project 30x 0.00047; gnomAD 0.00098; TOPMed 0.00115; ExAC 0.00130; gnomAD exomes 0.00130 and 0.00235; ESP Exome Variant Server 0.00215.
gnomAD v4.1: 3,489 of 1,598,750 alleles (0.22%); highest among the groups gnomAD compares: Non-Finnish European, 0.28%; 8 homozygotes.

Submissions (3):

PreventionGenetics, part of Exact Sciences
Classification: Likely benign for CLMP-related condition. Last evaluated: 2025-05-22. Review status: criteria provided, single submitter. Criteria: ACMG Guidelines, 2015. Collection method: clinical testing. Allele origin: germline.
Comment: This variant is classified as likely benign based on ACMG/AMP sequence variant interpretation guidelines (Richards et al. 2015 PMID: 25741868, with internal and published modifications).

Labcorp Genetics (formerly Invitae), Labcorp
Classification: Benign. Last evaluated: 2019-12-31. Review status: criteria provided, single submitter. Criteria: Invitae Variant Classification Sherloc (09022015). Collection method: clinical testing. Allele origin: germline.

Breakthrough Genomics
Classification: Benign. Review status: criteria provided, single submitter. Criteria: ACMG Guidelines, 2015. Collection method: not provided. Allele origin: germline. Inheritance: Autosomal recessive inheritance. Affected: yes.

NM_024769.5(CLMP):c.163G>A (p.Asp55Asn)

Gene: CLMP (CXADR like cell adhesion molecule; minus strand). Cytogenetic location: 11q24.1.
Variant type: single nucleotide variant.
Coding change: c.163G>A on transcript NM_024769.5 (MANE Select); coding-DNA position 163, G replaced by A.
Protein change: p.Asp55Asn; replaces aspartic acid 55 with asparagine.
Molecular consequence: missense variant.
Genome position (GRCh38, 1-based): chr11:123,097,818, C>T on the plus strand (G>A on the coding strand, the complement: CLMP is on the minus strand). VCF-style: chr11-123097818-C-T. GRCh37 (hg19) VCF-style: chr11-122968526-C-T.
Other names: short protein forms D55N.
Identifiers: ClinVar variation 719365 (VCV000719365.6), dbSNP rs146055456, ClinGen allele CA6333182.